The following is an entry in ClinVar:

ClinVar aggregate classification (germline): Likely benign (1 of 4 stars; one submission).

Allele frequency attached by ClinVar (database versions not stated): ExAC 0.00009; TOPMed 0.00014; gnomAD exomes 0.00018; gnomAD 0.00022; ESP Exome Variant Server 0.00023.
gnomAD v4.1: 296 of 1,613,074 alleles (0.018%); highest among the groups gnomAD compares: Non-Finnish European, 0.024%; no homozygotes.

Submission:

CeGaT Center for Human Genetics Tuebingen
Classification: Likely benign. Last evaluated: 2022-09-01. Review status: criteria provided, single submitter. Criteria: CeGaT Center For Human Genetics Tuebingen Variant Classification Criteria Version 2. Collection method: clinical testing. Allele origin: germline. Affected: yes. Observed: 1 variant allele.
Comment: CRYBG2: BP4, BP7

NM_001039775.4(CRYBG2):c.3825C>T (p.His1275=)

Genes: CRYBG2 (crystallin beta-gamma domain containing 2; minus strand), LOC129929817 (ATAC-STARR-seq lymphoblastoid active region 498; plus strand). Cytogenetic location: 1p36.11.
Variant type: single nucleotide variant.
Coding change: c.3825C>T on transcript NM_001039775.4 (MANE Select); coding-DNA position 3825, C replaced by T.
Protein change: p.His1275=; no amino-acid change (histidine 1275 retained).
Molecular consequence: synonymous variant.
Genome position (GRCh38, 1-based): chr1:26,336,927, G>A on the plus strand (C>T on the coding strand, the complement: CRYBG2 is on the minus strand). VCF-style: chr1-26336927-G-A. GRCh37 (hg19) VCF-style: chr1-26663418-G-A.
Identifiers: ClinVar variation 2638510 (VCV002638510.24), dbSNP rs368771562, ClinGen allele CA703801.